The following is an entry in ClinVar:

ClinVar aggregate classification (germline): Likely pathogenic (1 of 4 stars; one submission).

Conditions:
BGN-related disorder. Also called: BGN-related condition.

Submission:

PreventionGenetics, part of Exact Sciences
Classification: Likely pathogenic for BGN-related condition. Last evaluated: 2024-10-09. Review status: criteria provided, single submitter. Criteria: ACMG Guidelines, 2015. Collection method: clinical testing. Allele origin: germline.
Comment: The BGN c.239-35_242del39 variant is predicted to result in a deletion affecting a canonical splice site. To our knowledge, this variant has not been reported in the literature or in a large population database (gnomAD), indicating this variant is rare. Variants that disrupt the consensus splice acceptor site in BGN are expected to be pathogenic. This variant is interpreted as likely pathogenic.

NM_001711.6(BGN):c.239-35_242del

Gene: BGN (biglycan; plus strand). Cytogenetic location: Xq28.
Variant type: Deletion.
Coding change: c.239-35_242del on transcript NM_001711.6 (MANE Select); 35 bases into the intron before coding-DNA position 239 through coding-DNA position 242, 39 bases deleted.
Molecular consequence: splice acceptor variant.
Genome position (GRCh38, 1-based): chrX:153,505,203-153,505,241, 39 bases deleted; deleting any 39 consecutive bases within chrX:153,505,181-153,505,241 gives the same sequence; the c. name uses the placement nearest the transcript's 3' end. GRCh37 (hg19): chrX:152,770,661-152,770,699.
Identifiers: ClinVar variation 4988406 (VCV004988406.1).